The following is an entry in ClinVar:

NM_000743.5(CHRNA3):c.972C>T (p.Phe324=)

Gene: CHRNA3 (cholinergic receptor nicotinic alpha 3 subunit; minus strand). Cytogenetic location: 15q25.1.
Variant type: single nucleotide variant.
Coding change: c.972C>T on transcript NM_000743.5 (MANE Select); coding-DNA position 972, C replaced by T.
Protein change: p.Phe324=; no amino-acid change (phenylalanine 324 retained).
Molecular consequence: synonymous variant. On other transcripts: non-coding transcript variant (1).
Genome position (GRCh38, 1-based): chr15:78,601,670, G>A on the plus strand (C>T on the coding strand, the complement: CHRNA3 is on the minus strand). VCF-style: chr15-78601670-G-A. GRCh37 (hg19) VCF-style: chr15-78894012-G-A.
Other names: c.972C>T, p.Phe324= (NM_001166694.2); c.972C>T (NM_000743.4).
Identifiers: ClinVar variation 2889697 (VCV002889697.4), dbSNP rs200337870, ClinGen allele CA7684371.
Genomic context (GRCh38, chr15:78,601,670, plus strand): 5'-AGTCTTCACCCATGAGGGCATTGTGTGTGTCGTCGGGGTTCTGTAGTGCACGTTGAGCAC[G>A]AAGACGGTGATGACGATGGACAAGGTTACAAAAATCATGGTGAACAGGAGGTACTCTCCA-3'
Protein context (NP_000734.2, residues 314-334): FVTLSIVITV[Phe324=]VLNVHYRTPT

ClinVar aggregate classification (germline): Likely benign. Review status: criteria provided, multiple submitters, no conflicts (2 of 4 stars). 2 submissions from 2 submitters: Likely benign (2). Last evaluated 2025-06-04.

Conditions:
CHRNA3-related disorder. Also called: CHRNA3-related condition.

Allele frequency attached by ClinVar (database versions not stated): ESP Exome Variant Server 0.00015; gnomAD 0.00022; TOPMed 0.00023; ExAC 0.00024; gnomAD exomes 0.00026.
gnomAD v4.1: 404 of 1,614,036 alleles (0.025%); highest among the groups gnomAD compares: Non-Finnish European, 0.032%; no homozygotes.

Submissions (2):

Labcorp Genetics (formerly Invitae), Labcorp
Classification: Likely benign. Last evaluated: 2025-06-04. Review status: criteria provided, single submitter. Criteria: Invitae Variant Classification Sherloc (09022015). Collection method: clinical testing. Allele origin: germline.

PreventionGenetics, part of Exact Sciences
Classification: Likely benign for CHRNA3-related condition. Last evaluated: 2025-01-16. Review status: criteria provided, single submitter. Criteria: ACMG Guidelines, 2015. Collection method: clinical testing. Allele origin: germline.
Comment: This variant is classified as likely benign based on ACMG/AMP sequence variant interpretation guidelines (Richards et al. 2015 PMID: 25741868, with internal and published modifications).